The following is an entry in ClinVar:

ClinVar aggregate classification (germline): Uncertain significance (1 of 4 stars; one submission).

Submission:

Labcorp Genetics (formerly Invitae), Labcorp
Classification: Uncertain significance. Last evaluated: 2025-08-20. Review status: criteria provided, single submitter. Criteria: Invitae Variant Classification Sherloc (09022015). Collection method: clinical testing. Allele origin: germline.
Comment: This sequence change replaces alanine, which is neutral and non-polar, with valine, which is neutral and non-polar, at codon 342 of the ROM1 protein (p.Ala342Val). This variant is present in population databases (rs775932907, gnomAD 0.01%). This variant has not been reported in the literature in individuals affected with ROM1-related conditions. An algorithm developed to predict the effect of missense changes on protein structure and function (PolyPhen-2) suggests that this variant is likely to be tolerated. In summary, the available evidence is currently insufficient to determine the role of this variant in disease. Therefore, it has been classified as a Variant of Uncertain Significance.

NM_000327.4(ROM1):c.1025C>T (p.Ala342Val)

Gene: ROM1 (retinal outer segment membrane protein 1; plus strand). Cytogenetic location: 11q12.3.
Variant type: single nucleotide variant.
Coding change: c.1025C>T on transcript NM_000327.4 (MANE Select); coding-DNA position 1025, C replaced by T.
Protein change: p.Ala342Val; replaces alanine 342 with valine.
Molecular consequence: missense variant.
Genome position (GRCh38, 1-based): chr11:62,614,808, C>T. VCF-style: chr11-62614808-C-T. GRCh37 (hg19) VCF-style: chr11-62382280-C-T.
Other names: short protein forms A342V.
Identifiers: ClinVar variation 4761066 (VCV004761066.1).